The following is an entry in ClinVar:

NM_212557.4(AMTN):c.148T>C (p.Ser50Pro)

Gene: AMTN (amelotin; plus strand). Cytogenetic location: 4q13.3.
Variant type: single nucleotide variant.
Coding change: c.148T>C on transcript NM_212557.4 (MANE Select); coding-DNA position 148, T replaced by C.
Protein change: p.Ser50Pro; replaces serine 50 with proline.
Molecular consequence: missense variant.
Genome position (GRCh38, 1-based): chr4:70,523,877, T>C. VCF-style: chr4-70523877-T-C. GRCh37 (hg19) VCF-style: chr4-71389594-T-C.
Other names: c.145T>C, p.Ser49Pro (NM_001286731.2); short protein forms S49P, S50P.
Identifiers: ClinVar variation 3042027 (VCV003042027.2), dbSNP rs34803339, ClinGen allele CA2950960.
Genomic context (GRCh38, chr4:70,523,877, plus strand): 5'-AAGGGAAGCAGACAACCTCTTGTCTCATACATCACTTTCAATCCCCTGCAGGTCTTTCCT[T>C]CTTTAAGTCTGATACCATTAACACAGATGCTCACACTGGGGCCAGATCTGCATCTGGTAA-3'
Protein context (NP_997722.1, residues 40-60): NQQQSNQVFP[Ser50Pro]LSLIPLTQML

ClinVar aggregate classification (germline): Benign (0 of 4 stars; one submission).

Conditions:
AMTN-related disorder. Also called: AMTN-related condition.

Allele frequency attached by ClinVar (database versions not stated): ExAC 0.01184; gnomAD 0.02261; TOPMed 0.02459; ESP Exome Variant Server 0.02637; 1000 Genomes Project 30x 0.02717; 1000 Genomes Project 0.02756.
gnomAD v4.1: 9,906 of 1,613,634 alleles (0.61%); highest among the groups gnomAD compares: African/African-American, 7.3%; 310 homozygotes.

Submission:

PreventionGenetics, part of Exact Sciences
Classification: Benign for AMTN-related condition. Last evaluated: 2024-03-19. Review status: no assertion criteria provided. Collection method: clinical testing. Allele origin: germline.
Comment: This variant is classified as benign based on ACMG/AMP sequence variant interpretation guidelines (Richards et al. 2015 PMID: 25741868, with internal and published modifications).